The following is an entry in ClinVar:

ClinVar aggregate classification (germline): Conflicting classifications of pathogenicity. Review status: criteria provided, conflicting classifications (1 of 4 stars). 6 submissions from 6 submitters: Uncertain significance (4); Likely benign (1). 1 of the submissions does not count toward it. Last evaluated 2025-06-10.

Conditions:
Hereditary cancer-predisposing syndrome. Also called: Neoplastic Syndromes, Hereditary; Hereditary neoplastic syndrome; Hereditary Cancer Syndrome; Tumor predisposition. Identifiers: Orphanet 140162, MedGen C0027672, MeSH D009386, MONDO:0015356.
Ataxia-telangiectasia syndrome (AT). Also called: ATAXIA-TELANGIECTASIA, FRESNO VARIANT; Ataxia-telangiectasia, complementation group D; Cerebello-oculocutaneous telangiectasia; Immunodeficiency with ataxia telangiectasia; Ataxia-telangiectasia; Ataxia telangiectasia (A-T). Identifiers: Orphanet 100, MedGen C0004135, MONDO:0008840, OMIM 208900.

Allele frequency attached by ClinVar (database versions not stated): gnomAD exomes below 0.00001; gnomAD 0.00001.
gnomAD v4.1: 2 of 1,613,776 alleles (0.00012%); highest among the groups gnomAD compares: African/African-American, 0.0027%; no homozygotes.

Submissions (6):

Labcorp Genetics (formerly Invitae), Labcorp
Classification: Uncertain significance for Ataxia-telangiectasia syndrome. Last evaluated: 2025-06-10. Review status: criteria provided, single submitter. Criteria: Invitae Variant Classification Sherloc (09022015). Collection method: clinical testing. Allele origin: germline.
Comment: This sequence change replaces glutamine, which is neutral and polar, with arginine, which is basic and polar, at codon 445 of the ATM protein (p.Gln445Arg). This variant is not present in population databases (gnomAD no frequency). This variant has not been reported in the literature in individuals affected with ATM-related conditions. ClinVar contains an entry for this variant (Variation ID: 657495). Invitae Evidence Modeling of protein sequence and biophysical properties (such as structural, functional, and spatial information, amino acid conservation, physicochemical variation, residue mobility, and thermodynamic stability) indicates that this missense variant is not expected to disrupt ATM protein function with a negative predictive value of 95%. In summary, the available evidence is currently insufficient to determine the role of this variant in disease. Therefore, it has been classified as a Variant of Uncertain Significance.

Ambry Genetics
Classification: Likely benign for Hereditary cancer-predisposing syndrome. Last evaluated: 2024-12-14. Review status: criteria provided, single submitter. Criteria: Ambry Variant Classification Scheme 2023. Collection method: clinical testing. Allele origin: germline.

Color Diagnostics, LLC DBA Color Health
Classification: Uncertain significance for Hereditary cancer-predisposing syndrome. Last evaluated: 2023-12-05. Review status: criteria provided, single submitter. Criteria: ACMG Guidelines, 2015. Collection method: clinical testing. Allele origin: germline.
Comment: This missense variant replaces glutamine with arginine at codon 445 of the ATM protein. Computational prediction suggests that this variant may not impact protein structure and function (internally defined REVEL score threshold <= 0.5, PMID: 27666373). To our knowledge, functional studies have not been reported for this variant. This variant has not been reported in individuals affected with ATM-related disorders in the literature. This variant has not been identified in the general population by the Genome Aggregation Database (gnomAD). The available evidence is insufficient to determine the role of this variant in disease conclusively. Therefore, this variant is classified as a Variant of Uncertain Significance.

Quest Diagnostics Nichols Institute San Juan Capistrano
Classification: Uncertain significance. Last evaluated: 2023-10-31. Review status: criteria provided, single submitter. Criteria: Quest Diagnostics criteria. Collection method: clinical testing. Allele origin: unknown.

GeneDx
Classification: Uncertain significance. Last evaluated: 2022-02-22. Review status: criteria provided, single submitter. Criteria: GeneDx Variant Classification Process June 2021. Collection method: clinical testing. Allele origin: germline. Affected: yes.
Comment: Not observed at significant frequency in large population cohorts (gnomAD); In silico analysis supports that this missense variant does not alter protein structure/function; Has not been previously published as pathogenic or benign to our knowledge

Natera, Inc.
Classification: Uncertain significance for Ataxia-telangiectasia. Last evaluated: 2021-03-29. Review status: no assertion criteria provided. Collection method: clinical testing. Allele origin: germline. Not counted in ClinVar's aggregate classification.

NM_000051.4(ATM):c.1334A>G (p.Gln445Arg)

Gene: ATM (ATM serine/threonine kinase; plus strand). Cytogenetic location: 11q22.3.
Variant type: single nucleotide variant.
Coding change: c.1334A>G on transcript NM_000051.4 (MANE Select); coding-DNA position 1334, A replaced by G.
Protein change: p.Gln445Arg; replaces glutamine 445 with arginine.
Molecular consequence: missense variant.
Genome position (GRCh38, 1-based): chr11:108,250,799, A>G. VCF-style: chr11-108250799-A-G. GRCh37 (hg19) VCF-style: chr11-108121526-A-G.
Other names: c.1334A>G, p.Gln445Arg (NM_001351834.2); short protein forms Q445R.
Identifiers: ClinVar variation 657495 (VCV000657495.23), dbSNP rs1591523341, ClinGen allele CA382533717.